The following is an entry in ClinVar:

NM_016604.4(KDM3B):c.714G>A (p.Glu238=)

Gene: KDM3B (lysine demethylase 3B; plus strand). Cytogenetic location: 5q31.2.
Variant type: single nucleotide variant.
Coding change: c.714G>A on transcript NM_016604.4 (MANE Select); coding-DNA position 714, G replaced by A.
Protein change: p.Glu238=; no amino-acid change (glutamic acid 238 retained).
Molecular consequence: synonymous variant.
Genome position (GRCh38, 1-based): chr5:138,381,524, G>A. VCF-style: chr5-138381524-G-A. GRCh37 (hg19) VCF-style: chr5-137717213-G-A.
Other names: c.714G>A (NM_016604.3).
Identifiers: ClinVar variation 1300056 (VCV001300056.4), dbSNP rs10073922, ClinGen allele CA3428775.
Genomic context (GRCh38, chr5:138,381,524, plus strand): 5'-ATTATGTCTTTATGGACAAGGCATTAAATATCTTTTTCCCCTCCTACTGTAGAGTGGTGA[G>A]ATCAAGTCGGTAGATCCCAGACTAATCCATGTGATGCTGATGGATAATTCAGCGCCTCAA-3'
Protein context (NP_057688.3, residues 228-248): LMEVSVTESG[Glu238=]IKSVDPRLIH

ClinVar aggregate classification (germline): Benign. Review status: criteria provided, single submitter (1 of 4 stars). 2 submissions from 2 submitters: Benign (1). 1 of the submissions does not count toward it. Last evaluated 2021-08-19.

Conditions:
KDM3B-related disorder. Also called: KDM3B-related condition.
Diets-Jongmans syndrome. Also called: INTELLECTUAL DEVELOPMENTAL DISORDER WITH DISTINCTIVE FACIAL DYSMORPHISM. Identifiers: MedGen C5394263, MONDO:0030012, OMIM 618846.

Allele frequency attached by ClinVar (database versions not stated): 1000 Genomes Project 30x 0.28779; 1000 Genomes Project 0.29073; TOPMed 0.29507; ESP Exome Variant Server 0.29579; ExAC 0.34965; gnomAD exomes 0.35364.
gnomAD v4.1: 559,474 of 1,575,664 alleles (36%); highest among the groups gnomAD compares: South Asian, 45%; 103,161 homozygotes.

Submissions (2):

Genome-Nilou Lab
Classification: Benign for Diets-Jongmans syndrome. Last evaluated: 2021-08-19. Review status: criteria provided, single submitter. Criteria: ACMG Guidelines, 2015. Collection method: clinical testing. Allele origin: germline. Affected: no.

PreventionGenetics, part of Exact Sciences
Classification: Benign for KDM3B-related condition. Last evaluated: 2019-10-30. Review status: no assertion criteria provided. Collection method: clinical testing. Allele origin: germline. Not counted in ClinVar's aggregate classification.
Comment: This variant is classified as benign based on ACMG/AMP sequence variant interpretation guidelines (Richards et al. 2015 PMID: 25741868, with internal and published modifications).